The following is an entry in ClinVar:

NM_001614.5(ACTG1):c.-6-16A>G

Gene: ACTG1 (actin gamma 1; minus strand). Cytogenetic location: 17q25.3.
Variant type: single nucleotide variant.
Coding change: c.-6-16A>G on transcript NM_001614.5 (MANE Select); 16 bases into the intron before 6 bases upstream of the start codon, A replaced by G.
Molecular consequence: intron variant.
Genome position (GRCh38, 1-based): chr17:81,512,376, T>C on the plus strand (A>G on the coding strand, the complement: ACTG1 is on the minus strand). VCF-style: chr17-81512376-T-C. GRCh37 (hg19) VCF-style: chr17-79479402-T-C.
Other names: c.-6-16A>G (NM_001199954.3).
Identifiers: ClinVar variation 386371 (VCV000386371.1), dbSNP rs373198187, ClinGen allele CA8836447.
Genomic context (GRCh38, chr17:81,512,376, plus strand): 5'-GCCATTGTCAATGACCAGCGCGGCGATCTCTTCTTCCATTGCGACCTGCCCGGAAAAGGA[T>C]GGACTCAGGCGGGCGCGTCTGTAACACGGTCCCCTCCCCACAGCCACCTAATGCCCTCCC-3'

ClinVar aggregate classification (germline): Likely benign (1 of 4 stars; one submission).

Allele frequency attached by ClinVar (database versions not stated): TOPMed 0.00018; ESP Exome Variant Server 0.00031; ExAC 0.00021; gnomAD 0.00025 and 0.00026.

Submission:

GeneDx
Classification: Likely benign. Last evaluated: 2016-06-09. Review status: criteria provided, single submitter. Criteria: GeneDx Variant Classification (06012015). Collection method: clinical testing. Allele origin: germline. Affected: yes.
Comment: This variant is considered likely benign or benign based on one or more of the following criteria: it is a conservative change, it occurs at a poorly conserved position in the protein, it is predicted to be benign by multiple in silico algorithms, and/or has population frequency not consistent with disease.